The following is an entry in ClinVar:

NM_000260.4(MYO7A):c.677C>T (p.Ala226Val)

Gene: MYO7A (myosin VIIA; plus strand). Cytogenetic location: 11q13.5.
Variant type: single nucleotide variant.
Coding change: c.677C>T on transcript NM_000260.4 (MANE Select); coding-DNA position 677, C replaced by T.
Protein change: p.Ala226Val; replaces alanine 226 with valine.
Molecular consequence: missense variant.
Genome position (GRCh38, 1-based): chr11:77,156,946, C>T. VCF-style: chr11-77156946-C-T. GRCh37 (hg19) VCF-style: chr11-76867992-C-T.
Other names: c.677C>T, p.Ala226Val (NM_001127180.2); c.644C>T, p.Ala215Val (NM_001369365.1); short protein forms A226V, A215V.
Identifiers: ClinVar variation 1424436 (VCV001424436.5), dbSNP rs2135239441, ClinGen allele CA381932198.
Genomic context (GRCh38, chr11:77,156,946, plus strand): 5'-GCAATGACAACTCAAGCCGTTTCGGAAAGTACATCGACATCCACTTCAACAAGCGGGGCG[C>T]CATCGAGGGCGCGAAGATTGAGCAGTACCTGCTGGAAAAGTCACGTGTCTGTCGCCAGGT-3'
Protein context (NP_000251.3, residues 216-236): YIDIHFNKRG[Ala226Val]IEGAKIEQYL

ClinVar aggregate classification (germline): Uncertain significance (1 of 4 stars; one submission).

Submission:

Labcorp Genetics (formerly Invitae), Labcorp
Classification: Uncertain significance. Last evaluated: 2021-09-01. Review status: criteria provided, single submitter. Criteria: Invitae Variant Classification Sherloc (09022015). Collection method: clinical testing. Allele origin: germline.
Comment: This sequence change replaces alanine with valine at codon 226 of the MYO7A protein (p.Ala226Val). The alanine residue is moderately conserved and there is a small physicochemical difference between alanine and valine. This variant is not present in population databases (ExAC no frequency). This variant has not been reported in the literature in individuals affected with MYO7A-related conditions. Advanced modeling of protein sequence and biophysical properties (such as structural, functional, and spatial information, amino acid conservation, physicochemical variation, residue mobility, and thermodynamic stability) performed at Invitae indicates that this missense variant is not expected to disrupt MYO7A protein function. In summary, the available evidence is currently insufficient to determine the role of this variant in disease. Therefore, it has been classified as a Variant of Uncertain Significance.